The following is an entry in ClinVar:

ClinVar aggregate classification (germline): Likely benign. Review status: criteria provided, single submitter (1 of 4 stars). 2 submissions from 2 submitters: Likely benign (1). 1 of the submissions does not count toward it. Last evaluated 2026-06-09.

Conditions:
LOX-related disorder. Also called: LOX-related disorders; LOX-related condition.
Cardiovascular phenotype. Identifiers: MedGen CN230736.

Allele frequency attached by ClinVar (database versions not stated): gnomAD exomes below 0.00001.
gnomAD v4.1: 3 of 1,589,616 alleles (0.00019%); no homozygotes.

Submissions (2):

Ambry Genetics
Classification: Likely benign for Cardiovascular phenotype. Last evaluated: 2026-06-09. Review status: criteria provided, single submitter. Criteria: Ambry Variant Classification Scheme 2023. Collection method: clinical testing. Allele origin: germline.

PreventionGenetics, part of Exact Sciences
Classification: Likely benign for LOX-related condition. Last evaluated: 2022-02-14. Review status: no assertion criteria provided. Collection method: clinical testing. Allele origin: germline. Not counted in ClinVar's aggregate classification.
Comment: This variant is classified as likely benign based on ACMG/AMP sequence variant interpretation guidelines (Richards et al. 2015 PMID: 25741868, with internal and published modifications).

NM_002317.7(LOX):c.273C>T (p.Ile91=)

Genes: LOX (lysyl oxidase; minus strand), SRFBP1 (serum response factor binding protein 1; plus strand). Cytogenetic location: 5q23.1.
Variant type: single nucleotide variant.
Coding change: c.273C>T on transcript NM_002317.7 (MANE Select); coding-DNA position 273, C replaced by T.
Protein change: p.Ile91=; no amino-acid change (isoleucine 91 retained).
Molecular consequence: synonymous variant.
Genome position (GRCh38, 1-based): chr5:122,077,713, G>A on the plus strand (C>T on the coding strand, the complement: LOX is on the minus strand). VCF-style: chr5-122077713-G-A. GRCh37 (hg19) VCF-style: chr5-121413408-G-A.
Other names: c.273C>T (NM_002317.5).
Identifiers: ClinVar variation 3056533 (VCV003056533.3), dbSNP rs2532917403, ClinGen allele CA446220361.